The following is an entry in ClinVar:

ClinVar aggregate classification (germline): Pathogenic/Likely pathogenic. Review status: criteria provided, multiple submitters, no conflicts (2 of 4 stars). 4 submissions from 4 submitters: Pathogenic (1); Likely pathogenic (3). Last evaluated 2025-12-08.

Conditions:
Alstrom syndrome (ALMS). Identifiers: Orphanet 64, MedGen C0268425, MONDO:0008763, OMIM 203800.
ALMS1-related disorder. Also called: ALMS1-related condition.

Submissions (4):

Labcorp Genetics (formerly Invitae), Labcorp
Classification: Pathogenic for Alstrom syndrome. Last evaluated: 2025-12-08. Review status: criteria provided, single submitter. Criteria: Invitae Variant Classification Sherloc (09022015). Collection method: clinical testing. Allele origin: germline.
Comment: This sequence change creates a premature translational stop signal (p.Ala3308Cysfs*14) in the ALMS1 gene. It is expected to result in an absent or disrupted protein product. Loss-of-function variants in ALMS1 are known to be pathogenic (PMID: 17594715). This variant is not present in population databases (gnomAD no frequency). This variant has not been reported in the literature in individuals affected with ALMS1-related conditions. ClinVar contains an entry for this variant (Variation ID: 2193596). For these reasons, this variant has been classified as Pathogenic.

Natera, Inc.
Classification: Likely pathogenic for Alstrom syndrome. Last evaluated: 2025-01-22. Review status: criteria provided, single submitter. Criteria: Natera Variant Classification Schema (03/2026). Collection method: clinical testing. Allele origin: germline.
Comment: The c.9922_9926del variant in ALMS1 is a frameshift variant predicted to shift the reading frame beginning at codon 3308 and leads to a stop codon 14 codons downstream. This variant is expected to result in nonsense mediated decay, truncation, or a dysfunctional protein product. This variant is rare in the general population with a frequency below the threshold expected for the associated phenotype(s). Given the available evidence, this variant is classified as Likely Pathogenic.

Women's Health and Genetics/Laboratory Corporation of America, LabCorp
Classification: Likely pathogenic for Alstrom syndrome. Last evaluated: 2023-01-24. Review status: criteria provided, single submitter. Criteria: LabCorp Variant Classification Summary - May 2015. Collection method: clinical testing. Allele origin: germline.
Comment: Variant summary: ALMS1 c.9916_9920delGCCAT/p.Ala3306CysfsX14 (also known as c.9922_9926delGCCAT/p.Ala3308CysfsX14 in RefSeq) results in a premature termination codon, predicted to cause a truncation of the encoded protein or absence of the protein due to nonsense mediated decay, which are commonly known mechanisms for disease. Truncations downstream of this position have been classified as pathogenic by our laboratory. The variant was absent in 249260 control chromosomes. To our knowledge, no occurrence of c.9916_9920delGCCAT in individuals affected with Alstrom Syndrome and no experimental evidence demonstrating its impact on protein function have been reported. No clinical diagnostic laboratories have submitted clinical-significance assessments for this variant to ClinVar after 2014. Based on the evidence outlined above, the variant was classified as likely pathogenic.

Blueprint Genetics
Classification: Likely pathogenic for ALMS1-related disorders. Last evaluated: 2018-06-13. Review status: criteria provided, single submitter. Criteria: ACMG Guidelines, 2015. Collection method: clinical testing. Allele origin: germline. Affected: yes. Observed: 1 variant allele.

Literature cited by the submitters: PubMed 17594715 (cited by Labcorp Genetics (formerly Invitae), Labcorp).

NM_001378454.1(ALMS1):c.9919_9923del (p.Ala3307fs)

Gene: ALMS1 (ALMS1 centrosome and basal body associated protein; plus strand). Cytogenetic location: 2p13.1.
Variant type: Deletion.
Coding change: c.9919_9923del on transcript NM_001378454.1 (MANE Select); coding-DNA positions 9919 to 9923, 5 bases deleted (GCCAT; older notation c.9919_9923delGCCAT).
Protein change: p.Ala3307fs; shifts the reading frame from alanine 3307.
Molecular consequence: frameshift variant.
Genome position (GRCh38, 1-based): chr2:73,550,278-73,550,282, GCCAT deleted; deleting any 5 consecutive bases within chr2:73,550,276-73,550,282 gives the same sequence; the c. name uses the placement nearest the transcript's 3' end. VCF-style (leftmost placement, unchanged base first): chr2-73550275-GATGCC-G. GRCh37 (hg19) VCF-style: chr2-73777402-GATGCC-G.
Other names: c.9922_9926del, p.Ala3308fs (NM_015120.4); c.9922_9926delGCCAT (NM_015120.4); short protein forms A3308fs, A3307fs.
Identifiers: ClinVar variation 2193596 (VCV002193596.10), dbSNP rs1480809832, ClinGen allele CA892846582.